The following is an entry in ClinVar:

NC_000014.8:g.(?_76147868)_(76150019_?)del

Gene: TTLL5 (tubulin tyrosine ligase like 5; plus strand). Cytogenetic location: 14q24.3.
Variant type: Deletion.
Identifiers: ClinVar variation 2426056 (VCV002426056.4).

ClinVar aggregate classification (germline): Pathogenic (1 of 4 stars; one submission).

Submission:

Labcorp Genetics (formerly Invitae), Labcorp
Classification: Pathogenic. Last evaluated: 2022-08-16. Review status: criteria provided, single submitter. Criteria: Invitae Variant Classification Sherloc (09022015). Collection method: clinical testing. Allele origin: germline.
Comment: For these reasons, this variant has been classified as Pathogenic. This variant has not been reported in the literature in individuals affected with TTLL5-related conditions. This variant is a gross deletion of the genomic region encompassing exon(s) 4-5 of the TTLL5 gene. This deletion is out-of-frame, and is expected to create a premature termination codon and result in an absent or disrupted protein product. Loss-of-function variants in TTLL5 are known to be pathogenic (PMID: 24791901, 27162334).

Literature cited by the submitters: PubMed 24791901; PubMed 27162334.